The following is an entry in ClinVar:

ClinVar aggregate classification (germline): Uncertain significance (1 of 4 stars; one submission).

Submission:

Women's Health and Genetics/Laboratory Corporation of America, LabCorp
Classification: Uncertain significance. Last evaluated: 2025-11-25. Review status: criteria provided, single submitter. Criteria: LabCorp Variant Classification Summary - May 2015. Collection method: clinical testing. Allele origin: germline.
Comment: Variant summary: FASTKD3 c.143_145delGAC (p.Arg48del) results in an in-frame deletion that is predicted to remove one amino acid from the encoded protein. The variant allele was found at a frequency of 4e-06 in 251470 control chromosomes. The available data on variant occurrences in the general population are insufficient to allow any conclusion about variant significance. To our knowledge, no occurrence of c.143_145delGAC in individuals affected with FASTKD3-related conditions and no experimental evidence demonstrating its impact on protein function have been reported. No submitters have cited clinical-significance assessments for this variant to ClinVar. Based on the evidence outlined above, the variant was classified as uncertain significance.

NM_024091.4(FASTKD3):c.143_145del (p.Arg48del)

Genes: FASTKD3 (FAST kinase domains 3; minus strand), MTRR (5-methyltetrahydrofolate-homocysteine methyltransferase reductase; plus strand). Cytogenetic location: 5p15.31.
Variant type: Deletion.
Coding change: c.143_145del on transcript NM_024091.4 (MANE Select); coding-DNA positions 143 to 145, 3 bases deleted (GAC; older notation c.143_145delGAC).
Protein change: p.Arg48del; deletes arginine 48.
Genome position (GRCh38, 1-based): chr5:7,867,939-7,867,941, GTC deleted on the plus strand (GAC on the coding strand, the reverse complement: FASTKD3 is on the minus strand); deleting any 3 consecutive bases within chr5:7,867,939-7,867,943 gives the same sequence; the c. name uses the placement nearest the transcript's 3' end. VCF-style (leftmost placement, unchanged base first): chr5-7867938-TGTC-T. GRCh37 (hg19) VCF-style: chr5-7868051-TGTC-T.
Other names: c.143_145delGAC (NM_024091.4); short protein forms R48del.
Identifiers: ClinVar variation 4537188 (VCV004537188.1).